The following is an entry in ClinVar:

ClinVar aggregate classification (germline): Uncertain significance (1 of 4 stars; one submission).

Submission:

Labcorp Genetics (formerly Invitae), Labcorp
Classification: Uncertain significance. Last evaluated: 2022-05-04. Review status: criteria provided, single submitter. Criteria: Invitae Variant Classification Sherloc (09022015). Collection method: clinical testing. Allele origin: germline.
Comment: In summary, the available evidence is currently insufficient to determine the role of this variant in disease. Therefore, it has been classified as a Variant of Uncertain Significance. Variants that disrupt the consensus splice site are a relatively common cause of aberrant splicing (PMID: 17576681, 9536098). Algorithms developed to predict the effect of sequence changes on RNA splicing suggest that this variant is not likely to affect RNA splicing. This variant has not been reported in the literature in individuals affected with UNC80-related conditions. Information on the frequency of this variant in the gnomAD database is not available, as this variant may be reported differently in the database. This sequence change falls in intron 24 of the UNC80 gene. It does not directly change the encoded amino acid sequence of the UNC80 protein. It affects a nucleotide within the consensus splice site.

Literature cited by the submitters: PubMed 17576681; PubMed 9536098.

NM_001371986.1(UNC80):c.3977-4_3977-3delinsAC

Gene: UNC80 (unc-80 homolog, NALCN channel complex subunit; plus strand). Cytogenetic location: 2q34.
Variant type: Indel.
Coding change: c.3977-4_3977-3delinsAC on transcript NM_001371986.1 (MANE Select); 4 bases into the intron before coding-DNA position 3977 through 3 bases into the intron before coding-DNA position 3977, CT replaced by AC.
Molecular consequence: intron variant.
Genome position (GRCh38, 1-based): chr2:209,880,957-209,880,958, CT replaced by AC. VCF-style: chr2-209880957-CT-AC. GRCh37 (hg19) VCF-style: chr2-210745681-CT-AC.
Other names: c.3983-4_3983-3delinsAC (NM_032504.2); c.3968-4_3968-3delinsAC (NM_182587.4).
Identifiers: ClinVar variation 1470359 (VCV001470359.5), dbSNP rs2124895684, ClinGen allele CA2573135249.